The following is an entry in ClinVar:

ClinVar aggregate classification (germline): Likely benign (1 of 4 stars; one submission).

Allele frequency attached by ClinVar (database versions not stated): ExAC 0.00001; gnomAD 0.00007; ESP Exome Variant Server 0.00008; TOPMed 0.00008.

Submission:

CeGaT Center for Human Genetics Tuebingen
Classification: Likely benign. Last evaluated: 2024-02-01. Review status: criteria provided, single submitter. Criteria: CeGaT Center For Human Genetics Tuebingen Variant Classification Criteria Version 2. Collection method: clinical testing. Allele origin: germline. Affected: yes. Observed: 1 variant allele.
Comment: CKAP2L: BP4, BP7

NM_152515.5(CKAP2L):c.1005A>C (p.Thr335=)

Gene: CKAP2L (cytoskeleton associated protein 2L; minus strand). Cytogenetic location: 2q14.1.
Variant type: single nucleotide variant.
Coding change: c.1005A>C on transcript NM_152515.5 (MANE Select); coding-DNA position 1005, A replaced by C.
Protein change: p.Thr335=; no amino-acid change (threonine 335 retained).
Molecular consequence: synonymous variant.
Genome position (GRCh38, 1-based): chr2:112,756,366, T>G on the plus strand (A>C on the coding strand, the complement: CKAP2L is on the minus strand). VCF-style: chr2-112756366-T-G. GRCh37 (hg19) VCF-style: chr2-113513943-T-G.
Other names: c.510A>C, p.Thr170= (NM_001304361.2).
Identifiers: ClinVar variation 3026218 (VCV003026218.22), dbSNP rs375043973, ClinGen allele CA1836750.